The following is an entry in ClinVar:

ClinVar aggregate classification (germline): Uncertain significance (1 of 4 stars; one submission).

gnomAD v4.1: 1 of 1,614,140 alleles (0.000062%); highest among the groups gnomAD compares: Non-Finnish European, 0.000085%; no homozygotes.

Submission:

Ambry Genetics
Classification: Uncertain significance. Last evaluated: 2025-01-06. Review status: criteria provided, single submitter. Criteria: Ambry Variant Classification Scheme 2023. Collection method: clinical testing. Allele origin: germline.
Comment: The p.D352G variant (also known as c.1055A>G), located in coding exon 9 of the FAM175A gene, results from an A to G substitution at nucleotide position 1055. The aspartic acid at codon 352 is replaced by glycine, an amino acid with similar properties. This amino acid position is conserved. In addition, this alteration is predicted to be tolerated by in silico analysis. Based on the available evidence, the clinical significance of this variant remains unclear.

NM_139076.3(ABRAXAS1):c.1055A>G (p.Asp352Gly)

Gene: ABRAXAS1 (abraxas 1, BRCA1 A complex subunit; minus strand). Cytogenetic location: 4q21.23.
Variant type: single nucleotide variant.
Coding change: c.1055A>G on transcript NM_139076.3 (MANE Select); coding-DNA position 1055, A replaced by G.
Protein change: p.Asp352Gly; replaces aspartic acid 352 with glycine.
Molecular consequence: missense variant.
Genome position (GRCh38, 1-based): chr4:83,462,644, T>C on the plus strand (A>G on the coding strand, the complement: ABRAXAS1 is on the minus strand). VCF-style: chr4-83462644-T-C. GRCh37 (hg19) VCF-style: chr4-84383797-T-C.
Other names: c.728A>G, p.Asp243Gly (NM_001345962.2); short protein forms D243G, D352G.
Identifiers: ClinVar variation 3798795 (VCV003798795.1).